The following is an entry in ClinVar:

ClinVar aggregate classification (germline): Uncertain significance (1 of 4 stars; one submission).

Allele frequency attached by ClinVar (database versions not stated): ExAC 0.00001; gnomAD exomes 0.00001.
gnomAD v4.1: 16 of 1,613,952 alleles (0.00099%); highest among the groups gnomAD compares: Non-Finnish European, 0.0013%; no homozygotes.

Submission:

Labcorp Genetics (formerly Invitae), Labcorp
Classification: Uncertain significance. Last evaluated: 2022-08-31. Review status: criteria provided, single submitter. Criteria: Invitae Variant Classification Sherloc (09022015). Collection method: clinical testing. Allele origin: germline.
Comment: In summary, the available evidence is currently insufficient to determine the role of this variant in disease. Therefore, it has been classified as a Variant of Uncertain Significance. Algorithms developed to predict the effect of sequence changes on RNA splicing suggest that this variant may create or strengthen a splice site. Advanced modeling of protein sequence and biophysical properties (such as structural, functional, and spatial information, amino acid conservation, physicochemical variation, residue mobility, and thermodynamic stability) performed at Invitae indicates that this missense variant is not expected to disrupt FAT4 protein function. ClinVar contains an entry for this variant (Variation ID: 1517735). This variant has not been reported in the literature in individuals affected with FAT4-related conditions. This variant is present in population databases (rs748505773, gnomAD 0.002%). This sequence change replaces glycine, which is neutral and non-polar, with serine, which is neutral and polar, at codon 179 of the FAT4 protein (p.Gly179Ser).

NM_001291303.3(FAT4):c.535G>A (p.Gly179Ser)

Gene: FAT4 (FAT atypical cadherin 4; plus strand). Cytogenetic location: 4q28.1.
Variant type: single nucleotide variant.
Coding change: c.535G>A on transcript NM_001291303.3 (MANE Select); coding-DNA position 535, G replaced by A.
Protein change: p.Gly179Ser; replaces glycine 179 with serine.
Molecular consequence: missense variant.
Genome position (GRCh38, 1-based): chr4:125,316,946, G>A. VCF-style: chr4-125316946-G-A. GRCh37 (hg19) VCF-style: chr4-126238101-G-A.
Other names: c.535G>A, p.Gly179Ser (NM_001291285.3, NM_024582.6); short protein forms G179S.
Identifiers: ClinVar variation 1517735 (VCV001517735.6), dbSNP rs748505773, ClinGen allele CA3071827.